The following is an entry in ClinVar:

NM_001710.6(CFB):c.1934T>C (p.Val645Ala)

Gene: CFB (complement factor B; plus strand). Cytogenetic location: 6p21.33.
Variant type: single nucleotide variant.
Coding change: c.1934T>C on transcript NM_001710.6 (MANE Select); coding-DNA position 1934, T replaced by C.
Protein change: p.Val645Ala; replaces valine 645 with alanine.
Molecular consequence: missense variant.
Genome position (GRCh38, 1-based): chr6:31,951,222, T>C. VCF-style: chr6-31951222-T-C. GRCh37 (hg19) VCF-style: chr6-31918999-T-C.
Other names: short protein forms V645A.
Identifiers: ClinVar variation 3680497 (VCV003680497.2).
Genomic context (GRCh38, chr6:31,951,222, plus strand): 5'-CACAGGATATCAAAGCTCTGTTTGTGTCTGAGGAGGAGAAAAAGCTGACTCGGAAGGAGG[T>C]CTACATCAAGAATGGGGATAAGGTGAGAAACGGGCATCCTAAGGAGGCACTCTAGGCCCC-3'
Protein context (NP_001701.2, residues 635-655): EEEKKLTRKE[Val645Ala]YIKNGDKKGS

ClinVar aggregate classification (germline): Uncertain significance (1 of 4 stars; one submission).

gnomAD v4.1: 2 of 1,612,928 alleles (0.00012%); highest among the groups gnomAD compares: Non-Finnish European, 0.00017%; no homozygotes.

Submission:

Labcorp Genetics (formerly Invitae), Labcorp
Classification: Uncertain significance. Last evaluated: 2024-07-02. Review status: criteria provided, single submitter. Criteria: Invitae Variant Classification Sherloc (09022015). Collection method: clinical testing. Allele origin: germline.
Comment: This sequence change replaces valine, which is neutral and non-polar, with alanine, which is neutral and non-polar, at codon 645 of the CFB protein (p.Val645Ala). This variant is not present in population databases (gnomAD no frequency). This variant has not been reported in the literature in individuals affected with CFB-related conditions. Advanced modeling of protein sequence and biophysical properties (such as structural, functional, and spatial information, amino acid conservation, physicochemical variation, residue mobility, and thermodynamic stability) performed at Invitae indicates that this missense variant is not expected to disrupt CFB protein function with a negative predictive value of 80%. In summary, the available evidence is currently insufficient to determine the role of this variant in disease. Therefore, it has been classified as a Variant of Uncertain Significance.